The following is an entry in ClinVar:

NM_017827.4(SARS2):c.393+201G>A

Gene: SARS2 (seryl-tRNA synthetase 2, mitochondrial; minus strand). Cytogenetic location: 19q13.2.
Variant type: single nucleotide variant.
Coding change: c.393+201G>A on transcript NM_017827.4 (MANE Select); 201 bases into the intron after coding-DNA position 393, G replaced by A.
Molecular consequence: intron variant. On other transcripts: synonymous variant (1).
Genome position (GRCh38, 1-based): chr19:38,922,037, C>T on the plus strand (G>A on the coding strand, the complement: SARS2 is on the minus strand). VCF-style: chr19-38922037-C-T. GRCh37 (hg19) VCF-style: chr19-39412677-C-T.
Other names: c.435G>A, p.Thr145= (NM_001145901.2).
Identifiers: ClinVar variation 3050363 (VCV003050363.4), dbSNP rs565848512, ClinGen allele CA9423203.
Genomic context (GRCh38, chr19:38,922,037, plus strand): 5'-GTGCTTGACTTTGCCTCCTACTTACACAAGGAGAGAAAGCTGGCCTGGGAATGGGAGGAA[C>T]GTAGGACCAAATATGGAGCCAGCACCTGGATCCAGCCGCACCTGAAGCCAGTTTTAGTTT-3'

ClinVar aggregate classification (germline): Likely benign. Review status: criteria provided, multiple submitters, no conflicts (2 of 4 stars). 3 submissions from 3 submitters: Likely benign (2). 1 of the submissions does not count toward it. Last evaluated 2026-08-01.

Conditions:
SARS2-related disorder. Also called: SARS2-related condition.

Allele frequency attached by ClinVar (database versions not stated): ExAC 0.00009.

Submissions (3):

CeGaT Center for Human Genetics Tuebingen
Classification: Likely benign. Last evaluated: 2026-08-01. Review status: criteria provided, single submitter. Criteria: CeGaT Center For Human Genetics Tuebingen Variant Classification Criteria Version 2. Collection method: clinical testing. Allele origin: germline. Affected: yes. Observed: 1 variant allele.
Comment: SARS2: BP4, BP7

Blueprint Genetics
Classification: Likely benign. Last evaluated: 2024-10-21. Review status: criteria provided, single submitter. Criteria: ACMG Guidelines, 2015. Collection method: clinical testing. Allele origin: germline.

PreventionGenetics, part of Exact Sciences
Classification: Likely benign for SARS2-related condition. Last evaluated: 2019-07-24. Review status: no assertion criteria provided. Collection method: clinical testing. Allele origin: germline. Not counted in ClinVar's aggregate classification.
Comment: This variant is classified as likely benign based on ACMG/AMP sequence variant interpretation guidelines (Richards et al. 2015 PMID: 25741868, with internal and published modifications).